The following is an entry in ClinVar:

ClinVar aggregate classification (germline): Pathogenic (1 of 4 stars; one submission).

Submission:

Labcorp Genetics (formerly Invitae), Labcorp
Classification: Pathogenic. Last evaluated: 2024-02-16. Review status: criteria provided, single submitter. Criteria: Invitae Variant Classification Sherloc (09022015). Collection method: clinical testing. Allele origin: germline.
Comment: This sequence change creates a premature translational stop signal (p.Gly32*) in the TPO gene. It is expected to result in an absent or disrupted protein product. Loss-of-function variants in TPO are known to be pathogenic (PMID: 11061528, 23236987, 25564141). This variant is not present in population databases (gnomAD no frequency). This variant has not been reported in the literature in individuals affected with TPO-related conditions. For these reasons, this variant has been classified as Pathogenic.

Literature cited by the submitters: PubMed 11061528; PubMed 23236987; PubMed 25564141.

NM_001206744.2(TPO):c.94G>T (p.Gly32Ter)

Gene: TPO (thyroid peroxidase; plus strand). Cytogenetic location: 2p25.3.
Variant type: single nucleotide variant.
Coding change: c.94G>T on transcript NM_001206744.2 (MANE Select); coding-DNA position 94, G replaced by T.
Protein change: p.Gly32Ter; replaces glycine 32 with a stop codon.
Molecular consequence: nonsense.
Genome position (GRCh38, 1-based): chr2:1,414,502, G>T. VCF-style: chr2-1414502-G-T. GRCh37 (hg19) VCF-style: chr2-1418274-G-T.
Other names: c.94G>T, p.Gly32Ter (NM_000547.6, NM_001206745.2, NM_175719.4 and 2 more transcripts); short protein forms G32*.
Identifiers: ClinVar variation 3641193 (VCV003641193.2).